The following is an entry in ClinVar:

ClinVar aggregate classification (germline): Conflicting classifications of pathogenicity. Review status: criteria provided, conflicting classifications (1 of 4 stars). 18 submissions from 15 submitters: Uncertain significance (9); Benign (2); Likely benign (5). 2 of the submissions do not count toward it. Last evaluated 2026-09-08.

Conditions:
Familial intrahepatic cholestasis. Identifiers: Orphanet 284385, MedGen CN296401, MONDO:0017290.
ATP8B1-related disorder. Also called: ATP8B1-related condition; ATP8B1-related disorders.
Benign recurrent intrahepatic cholestasis type 1. Also called: SUMMERSKILL SYNDROME; Mild-to-Moderate ATP8B1 Deficiency (Benign Recurrent Intrahepatic Cholestasis 1 [BRIC1]). Identifiers: Orphanet 65682, Orphanet 99960, MedGen C4551899, MONDO:0009469, OMIM 243300.
Cholestasis, intrahepatic, of pregnancy, 1 (ICP1). Also called: CHOLESTASIS, PREGNANCY-RELATED, 1. Identifiers: Orphanet 69665, MedGen C3549845, MONDO:0007829, OMIM 147480.
Progressive familial intrahepatic cholestasis type 1. Also called: BYLER DISEASE; Severe ATP8B1 Deficiency (Progressive Familial Intrahepatic Cholestasis Type 1 [PFIC1]); Byler's disease. Identifiers: Orphanet 79306, MedGen C4551898, MONDO:0008892, OMIM 211600.
Progressive familial intrahepatic cholestasis type 2. Identifiers: Orphanet 79304, MedGen C3489789, MONDO:0011156, OMIM 601847.

Allele frequency attached by ClinVar (database versions not stated): 1000 Genomes Project 0.00180; gnomAD 0.00245; TOPMed 0.00257; 1000 Genomes Project 30x 0.00141.
gnomAD v4.1: 5,696 of 1,613,854 alleles (0.35%); highest among the groups gnomAD compares: Middle Eastern, 2.3%; 16 homozygotes.

Submissions (18):

PreventionGenetics, part of Exact Sciences
Classification: Uncertain significance for ATP8B1-related condition. Last evaluated: 2026-09-08. Review status: criteria provided, single submitter. Criteria: ACMG Guidelines, 2015. Collection method: clinical testing. Allele origin: germline.
Comment: The ATP8B1 c.208G>A variant is predicted to result in the amino acid substitution p.Asp70Asn. This variant has been reported in benign recurrent intrahepatic cholestasis (BRIC), intrahepatic cholestasis of pregnancy (ICP) and chronic pancreatitis (CP); however, additional evidence supporting pathogenicity was not provided (Klomp et al. 2004. PubMed ID: 15239083; Müllenbach et al. 2005. PubMed ID: 15888793; van der Woerd et al. 2013. PubMed ID: 24260417). An in vitro functional study found that this variant led to partially reduced protein expression and diminished interaction with CDC50A, which is required for endoplasmic reticulum (ER) exit and plasma membrane localization; however, transformed UPS-1 cells co-expressing p.Asp70Asn-ATP8B1 and CDC50A showed ATP8B1 membrane expression at levels comparable to controls (Folmer et al. 2009. PubMed ID: 19731236). This variant is reported in 0.99% of alleles in individuals of Ashkenazi Jewish descent in gnomAD, including 2 homozygous individuals. Although we suspect that this variant may be benign, at this time, the clinical significance of this variant is uncertain due to the absence of conclusive functional and genetic evidence.

CeGaT Center for Human Genetics Tuebingen
Classification: Likely benign. Last evaluated: 2026-09-01. Review status: criteria provided, single submitter. Criteria: CeGaT Center For Human Genetics Tuebingen Variant Classification Criteria Version 2. Collection method: clinical testing. Allele origin: germline. Affected: yes. Observed: 12 variant alleles.
Comment: ATP8B1: BP4, BS1

Genomenon, Inc
Classification: Likely benign for Familial intrahepatic cholestasis. Last evaluated: 2026-04-14. Review status: criteria provided, single submitter. Criteria: Genomenon Sequence Variant Interpretation Standards - Updated. Collection method: curation. Allele origin: germline. Affected: yes.
Comment: ATP8B1 p.Asp70Asn (c.208G>A) is a missense variant that changes the amino acid at residue 70 from Aspartic acid to Asparagine. This variant has been observed in at least one proband with features of ATP8B1-deficiency (PMID:33915153;28733223;15239083;26678486;24627769). Functional studies have been reported (PMID:19731236;25315773). In silico models predict that this variant is not damaging. This variant’s allele frequency in gnomAD is greater than expected for this disorder. In conclusion, we classify ATP8B1 p.Asp70Asn (c.208G>A) as a likely benign variant.

Labcorp Genetics (formerly Invitae), Labcorp
Classification: Likely benign. Last evaluated: 2026-01-29. Review status: criteria provided, single submitter. Criteria: Invitae Variant Classification Sherloc (09022015). Collection method: clinical testing. Allele origin: germline.

Mayo Clinic Laboratories, Mayo Clinic
Classification: Likely benign. Last evaluated: 2025-05-08. Review status: criteria provided, single submitter. Criteria: ACMG Guidelines, 2015. Collection method: clinical testing. Allele origin: germline. Observed: 5 variant alleles.
Comment: BS1, BP4

Blueprint Genetics
Classification: Uncertain significance. Last evaluated: 2024-11-28. Review status: criteria provided, single submitter. Criteria: ACMG Guidelines, 2015. Collection method: clinical testing. Allele origin: germline.

Genomic Medicine Center of Excellence, King Faisal Specialist Hospital and Research Centre
Classification: Benign for Cholestasis, intrahepatic, of pregnancy, 1. Last evaluated: 2024-03-25. Review status: criteria provided, single submitter. Criteria: ACMG Guidelines, 2015. Collection method: clinical testing. Allele origin: germline.

Mendelics
Classification: Uncertain significance for Progressive familial intrahepatic cholestasis type 1. Last evaluated: 2019-05-28. Review status: criteria provided, single submitter. Criteria: Mendelics Assertion Criteria 2017. Collection method: clinical testing. Allele origin: unknown.

Baylor Genetics
Classification: Uncertain significance for Benign recurrent intrahepatic cholestasis type 1. Last evaluated: 2018-07-30. Review status: criteria provided, single submitter. Criteria: ACMG Guidelines, 2015. Collection method: clinical testing. Allele origin: maternal. Affected: yes.
Comment: This variant was determined to be of uncertain significance according to ACMG Guidelines, 2015 [PMID:25741868].

GeneDx
Classification: Benign. Last evaluated: 2018-06-01. Review status: criteria provided, single submitter. Criteria: GeneDx Variant Classification Process June 2021. Collection method: clinical testing. Allele origin: germline. Affected: yes.
Comment: This variant is associated with the following publications: (PMID: 15888793, 4260417, 28733223, 19731236, 20981092, 15239083, 22995991, 24627769, 24260417, 27884173, 23891399, 32917322)

Genomic Research Center, Shahid Beheshti University of Medical Sciences
Classification: Uncertain significance for Cholestasis of pregnancy. Last evaluated: 2018-03-05. Review status: criteria provided, single submitter. Criteria: ACMG Guidelines, 2015. Collection method: clinical testing. Allele origin: inherited. Affected: yes. Observed: 1 variant allele.

Genomic Research Center, Shahid Beheshti University of Medical Sciences
Classification: Uncertain significance for Benign recurrent intrahepatic cholestasis type 1. Last evaluated: 2018-03-05. Review status: criteria provided, single submitter. Criteria: ACMG Guidelines, 2015. Collection method: clinical testing. Allele origin: inherited. Affected: yes. Observed: 1 variant allele.

Genomic Research Center, Shahid Beheshti University of Medical Sciences
Classification: Uncertain significance for Progressive familial intrahepatic cholestasis type 2. Last evaluated: 2018-03-05. Review status: criteria provided, single submitter. Criteria: ACMG Guidelines, 2015. Collection method: clinical testing. Allele origin: inherited. Affected: yes. Observed: 1 variant allele.

Genomic Research Center, Shahid Beheshti University of Medical Sciences
Classification: Uncertain significance for Progressive familial intrahepatic cholestasis. Last evaluated: 2018-03-05. Review status: criteria provided, single submitter. Criteria: ACMG Guidelines, 2015. Collection method: clinical testing. Allele origin: inherited. Affected: yes. Observed: 1 variant allele.

Illumina Laboratory Services, Illumina
Classification: Uncertain significance for Progressive familial intrahepatic cholestasis type 1. Last evaluated: 2017-04-27. Review status: criteria provided, single submitter. Criteria: ICSL Variant Classification Criteria 13 December 2019. Collection method: clinical testing. Allele origin: germline.
Comment: This variant was observed as part of a predisposition screen in an ostensibly healthy population. A literature search was performed for the gene, cDNA change, and amino acid change (where applicable). Publications were found based on this search. However, the evidence from the literature, in combination with allele frequency data from public databases where available, was not sufficient to rule this variant in or out of causing disease. Therefore, this variant is classified as a variant of unknown significance.

Eurofins Ntd Llc (ga)
Classification: Likely benign. Last evaluated: 2017-04-26. Review status: criteria provided, single submitter. Criteria: EGL Classification Definitions 2015. Collection method: clinical testing. Allele origin: germline. Observed: 7 variant alleles, 7 heterozygotes.

OMIM
Classification: Pathogenic for CHOLESTASIS, INTRAHEPATIC, OF PREGNANCY, 1. Last evaluated: 2005-06-01. Review status: no assertion criteria provided. Collection method: literature only. Allele origin: germline. Not counted in ClinVar's aggregate classification.

Department of Pathology and Laboratory Medicine, Sinai Health System
Classification: Likely benign. Review status: no assertion criteria provided. Collection method: clinical testing. Allele origin: unknown. Affected: yes. Study: The Canadian Open Genetics Repository (COGR). Not counted in ClinVar's aggregate classification.
Comment: The ATP8B1 p.D70N variant was identified in the literature in 8 heterozygous individuals with chronic pancreatitis, 3 heterozygous individuals with intrahepatic cholestasis of pregnancy, two compound heterozygous individuals with benign recurrent intrahepatic cholestasis, a heterozygous individual with â€šÃ„Ã²low-normalâ€šÃ„Ã´ gamma glutamyl transpeptidase (gGT) cholestasis and two heterozygous individuals with liver injury; this variant was also reported as a heterozygous variant in 9 healthy controls (Mullenbach_2005_PMID:15888793; Klomp_2004_PMID:15239083; Van der Woerd_2013_PMID:24260417; McKay_2013_PMID:24627769; Giovannoni_2015_PMID:26678486; Stolz_2019_PMID:30934130). The variant was identified in dbSNP (ID: rs34719006) and ClinVar (classified as uncertain significance by GeneDx, Illumina, Mendelics and Genomic Research Centre, Shihad Beheshti University of Medical Sciences; as likely benign by EGL Genetic Diagnostics and Invitae; and as pathogenic by OMIM). The variant was identified in control databases in 877 of 282502 chromosomes (2 homozygous) at a frequency of 0.003104, and was observed at the highest frequency in the European (non-Finnish) population in 567 of 129006 chromosomes (freq: 0.004395) (Genome Aggregation Database March 6, 2019, v2.1.1). The p.D70 residue is conserved in mammals however computational analyses (MUT Assesor, PolyPhen-2, SIFT, MutationTaster, Revel, FATHMM, MetaLR, DANN) do not suggest a high likelihood of impact to the protein; this information is not very predictive of pathogenicity. In vitro functional analysis reveals that the p.D70N variant does not affect protein localization and has residual activity compared to wildtype (Folmer_2009_PMID:19731236; Takatsu_2014_PMID:25315773). The variant occurs outside of the splicing consensus sequence and in silico or computational prediction software programs (Splice AI exome) do not predict a difference in splicing. In summary, based on the above information the clinical significance of this variant cannot be determined with certainty at this time although we would lean towards a more benign role for this variant. This variant is classified as likely benign.

Literature cited by the submitters: PubMed 33915153 (cited by Genomenon, Inc and Mayo Clinic Laboratories, Mayo Clinic); PubMed 28733223 (cited by Genomenon, Inc and Mayo Clinic Laboratories, Mayo Clinic); PubMed 15239083 (cited by 5 submitters); PubMed 26678486 (cited by Genomenon, Inc); PubMed 24627769 (cited by Genomenon, Inc); PubMed 19731236 (cited by 4 submitters); PubMed 25315773 (cited by Genomenon, Inc); PubMed 15888793 (cited by 4 submitters); PubMed 22995991 (cited by Mayo Clinic Laboratories, Mayo Clinic and Eurofins Ntd Llc (ga)); PubMed 27884173 (cited by Mayo Clinic Laboratories, Mayo Clinic); PubMed 30934130 (cited by Mayo Clinic Laboratories, Mayo Clinic); PubMed 32765934 (cited by Mayo Clinic Laboratories, Mayo Clinic); PubMed 32917322 (cited by Mayo Clinic Laboratories, Mayo Clinic); PubMed 34840097 (cited by Mayo Clinic Laboratories, Mayo Clinic); PubMed 35535055 (cited by Mayo Clinic Laboratories, Mayo Clinic); PubMed 35894240 (cited by Mayo Clinic Laboratories, Mayo Clinic); PubMed 37208429 (cited by Mayo Clinic Laboratories, Mayo Clinic); PubMed 20981092 (cited by Eurofins Ntd Llc (ga)).

NM_001374385.1(ATP8B1):c.208G>A (p.Asp70Asn)

Gene: ATP8B1 (ATPase phospholipid transporting 8B1; minus strand). Cytogenetic location: 18q21.31.
Variant type: single nucleotide variant.
Coding change: c.208G>A on transcript NM_001374385.1 (MANE Select); coding-DNA position 208, G replaced by A.
Protein change: p.Asp70Asn; replaces aspartic acid 70 with asparagine.
Molecular consequence: missense variant. On other transcripts: intron variant (1).
Genome position (GRCh38, 1-based): chr18:57,706,561, C>T on the plus strand (G>A on the coding strand, the complement: ATP8B1 is on the minus strand). VCF-style: chr18-57706561-C-T. GRCh37 (hg19) VCF-style: chr18-55373793-C-T.
Other names: c.208G>A, p.Asp70Asn (NM_005603.6); c.130-1893G>A (NM_001374386.1); short protein forms D70N.
Identifiers: ClinVar variation 7271 (VCV000007271.62), dbSNP rs34719006, ClinGen allele CA118646.